The following is an entry in ClinVar:

NM_207346.3(TSEN54):c.745A>C (p.Ser249Arg)

Gene: TSEN54 (tRNA splicing endonuclease subunit 54; plus strand). Cytogenetic location: 17q25.1.
Variant type: single nucleotide variant.
Coding change: c.745A>C on transcript NM_207346.3 (MANE Select); coding-DNA position 745, A replaced by C.
Protein change: p.Ser249Arg; replaces serine 249 with arginine.
Molecular consequence: missense variant.
Genome position (GRCh38, 1-based): chr17:75,521,826, A>C. VCF-style: chr17-75521826-A-C. GRCh37 (hg19) VCF-style: chr17-73517907-A-C.
Other names: short protein forms S249R.
Identifiers: ClinVar variation 890244 (VCV000890244.6), dbSNP rs761784110, ClinGen allele CA8764259.

ClinVar aggregate classification (germline): Uncertain significance. Review status: criteria provided, multiple submitters, no conflicts (2 of 4 stars). 3 submissions from 3 submitters: Uncertain significance (3). Last evaluated 2024-12-24.

Conditions:
Inborn genetic diseases. Identifiers: MedGen C0950123, MeSH D030342.
Pontoneocerebellar hypoplasia. Also called: Pontocerebellar hypoplasia; Non-syndromic pontocerebellar hypoplasia. Identifiers: Orphanet 98523, MedGen C1261175, MONDO:0020135.

Allele frequency attached by ClinVar (database versions not stated): gnomAD 0.00001; TOPMed 0.00001; gnomAD exomes 0.00002 and 0.00005; ExAC 0.00007.
gnomAD v4.1: 38 of 1,612,910 alleles (0.0024%); highest among the groups gnomAD compares: East Asian, 0.0045%; no homozygotes.

Submissions (3):

Ambry Genetics
Classification: Uncertain significance for Inborn genetic diseases. Last evaluated: 2024-12-24. Review status: criteria provided, single submitter. Criteria: Ambry Variant Classification Scheme 2023. Collection method: clinical testing. Allele origin: germline.

Labcorp Genetics (formerly Invitae), Labcorp
Classification: Uncertain significance. Last evaluated: 2022-09-01. Review status: criteria provided, single submitter. Criteria: Invitae Variant Classification Sherloc (09022015). Collection method: clinical testing. Allele origin: germline.
Comment: This sequence change replaces serine, which is neutral and polar, with arginine, which is basic and polar, at codon 249 of the TSEN54 protein (p.Ser249Arg). This variant is present in population databases (rs761784110, gnomAD 0.01%). This variant has not been reported in the literature in individuals affected with TSEN54-related conditions. ClinVar contains an entry for this variant (Variation ID: 890244). Algorithms developed to predict the effect of missense changes on protein structure and function output the following: SIFT: "Tolerated"; PolyPhen-2: "Benign"; Align-GVGD: "Class C0". The arginine amino acid residue is found in multiple mammalian species, which suggests that this missense change does not adversely affect protein function. In summary, the available evidence is currently insufficient to determine the role of this variant in disease. Therefore, it has been classified as a Variant of Uncertain Significance.

Illumina Laboratory Services, Illumina
Classification: Uncertain significance for Pontoneocerebellar hypoplasia. Last evaluated: 2018-01-12. Review status: criteria provided, single submitter. Criteria: ICSL Variant Classification Criteria 13 December 2019. Collection method: clinical testing. Allele origin: germline.